The following is an entry in ClinVar:

NM_020203.6(MEPE):c.1346A>C (p.Asn449Thr)

Genes: MEPE (matrix extracellular phosphoglycoprotein; plus strand), MEPE-AS1 (MEPE and IBSP antisense RNA 1; minus strand). Cytogenetic location: 4q22.1.
Variant type: single nucleotide variant.
Coding change: c.1346A>C on transcript NM_020203.6 (MANE Select); coding-DNA position 1346, A replaced by C.
Protein change: p.Asn449Thr; replaces asparagine 449 with threonine.
Molecular consequence: missense variant.
Genome position (GRCh38, 1-based): chr4:87,846,214, A>C. VCF-style: chr4-87846214-A-C. GRCh37 (hg19) VCF-style: chr4-88767366-A-C.
Other names: c.1346A>C, p.Asn449Thr (NM_001184694.3); c.1007A>C, p.Asn336Thr (NM_001184695.4, NM_001184696.2, NM_001184697.2); c.1439A>C, p.Asn480Thr (NM_001291183.2); short protein forms N449T, N336T, N480T.
Identifiers: ClinVar variation 767961 (VCV000767961.7), dbSNP rs61731017, ClinGen allele CA3002834.

ClinVar aggregate classification (germline): Benign. Review status: criteria provided, multiple submitters, no conflicts (2 of 4 stars). 3 submissions from 3 submitters: Benign (2). 1 of the submissions does not count toward it. Last evaluated 2019-12-31.

Conditions:
MEPE-related disorder. Also called: MEPE-related condition.

Allele frequency attached by ClinVar (database versions not stated): gnomAD exomes 0.00136 and 0.00361; ExAC 0.00448; ESP Exome Variant Server 0.00907; gnomAD 0.00983 and 0.01027; TOPMed 0.01088; 1000 Genomes Project 0.01737; 1000 Genomes Project 30x 0.01858.
gnomAD v4.1: 3,578 of 1,614,024 alleles (0.22%); highest among the groups gnomAD compares: African/African-American, 3.4%; 52 homozygotes.

Submissions (3):

Labcorp Genetics (formerly Invitae), Labcorp
Classification: Benign. Last evaluated: 2019-12-31. Review status: criteria provided, single submitter. Criteria: Invitae Variant Classification Sherloc (09022015). Collection method: clinical testing. Allele origin: germline.

Breakthrough Genomics
Classification: Benign. Review status: criteria provided, single submitter. Criteria: ACMG Guidelines, 2015. Collection method: not provided. Allele origin: germline. Inheritance: Unknown mechanism. Affected: yes.

PreventionGenetics, part of Exact Sciences
Classification: Benign for MEPE-related condition. Last evaluated: 2019-08-13. Review status: no assertion criteria provided. Collection method: clinical testing. Allele origin: germline. Not counted in ClinVar's aggregate classification.
Comment: This variant is classified as benign based on ACMG/AMP sequence variant interpretation guidelines (Richards et al. 2015 PMID: 25741868, with internal and published modifications).